The following is an entry in ClinVar:

NM_005739.4(RASGRP1):c.1460A>T (p.Asp487Val)

Gene: RASGRP1 (RAS guanyl releasing protein 1; minus strand). Cytogenetic location: 15q14.
Variant type: single nucleotide variant.
Coding change: c.1460A>T on transcript NM_005739.4 (MANE Select); coding-DNA position 1460, A replaced by T.
Protein change: p.Asp487Val; replaces aspartic acid 487 with valine.
Molecular consequence: missense variant.
Genome position (GRCh38, 1-based): chr15:38,502,390, T>A on the plus strand (A>T on the coding strand, the complement: RASGRP1 is on the minus strand). VCF-style: chr15-38502390-T-A. GRCh37 (hg19) VCF-style: chr15-38794591-T-A.
Other names: c.1355A>T, p.Asp452Val (NM_001128602.2, NM_001306086.2); short protein forms D452V, D487V.
Identifiers: ClinVar variation 1418149 (VCV001418149.5), dbSNP rs62621817, ClinGen allele CA7470889.

ClinVar aggregate classification (germline): Uncertain significance (1 of 4 stars; one submission).

Allele frequency attached by ClinVar (database versions not stated): gnomAD exomes 0.00006; gnomAD 0.00007 and 0.00008; TOPMed 0.00009; ExAC 0.00012; ESP Exome Variant Server 0.00034.
gnomAD v4.1: 162 of 1,604,954 alleles (0.01%); highest among the groups gnomAD compares: Non-Finnish European, 0.012%; no homozygotes.

Submission:

Labcorp Genetics (formerly Invitae), Labcorp
Classification: Uncertain significance. Last evaluated: 2025-12-30. Review status: criteria provided, single submitter. Criteria: Invitae Variant Classification Sherloc (09022015). Collection method: clinical testing. Allele origin: germline.
Comment: This sequence change replaces aspartic acid, which is acidic and polar, with valine, which is neutral and non-polar, at codon 487 of the RASGRP1 protein (p.Asp487Val). This variant is present in population databases (rs62621817, gnomAD 0.02%). This variant has not been reported in the literature in individuals affected with RASGRP1-related conditions. ClinVar contains an entry for this variant (Variation ID: 1418149). Invitae Evidence Modeling of protein sequence and biophysical properties (such as structural, functional, and spatial information, amino acid conservation, physicochemical variation, residue mobility, and thermodynamic stability) indicates that this missense variant is not expected to disrupt RASGRP1 protein function with a negative predictive value of 80%. In summary, the available evidence is currently insufficient to determine the role of this variant in disease. Therefore, it has been classified as a Variant of Uncertain Significance.